The following is an entry in ClinVar:

NM_001164508.2(NEB):c.5365G>A (p.Glu1789Lys)

Gene: NEB (nebulin; minus strand). Cytogenetic location: 2q23.3.
Variant type: single nucleotide variant.
Coding change: c.5365G>A on transcript NM_001164508.2 (MANE Select); coding-DNA position 5365, G replaced by A.
Protein change: p.Glu1789Lys; replaces glutamic acid 1789 with lysine.
Molecular consequence: missense variant.
Genome position (GRCh38, 1-based): chr2:151,664,587, C>T on the plus strand (G>A on the coding strand, the complement: NEB is on the minus strand). VCF-style: chr2-151664587-C-T. GRCh37 (hg19) VCF-style: chr2-152521101-C-T.
Other names: c.5365G>A, p.Glu1789Lys (NM_001164507.2, NM_001271208.2, NM_004543.5); short protein forms E1789K.
Identifiers: ClinVar variation 1443065 (VCV001443065.6), dbSNP rs774196513, ClinGen allele CA57644307.
Genomic context (GRCh38, chr2:151,664,587, plus strand): 5'-TTGCAGCCTTTATTGCAATGGCATCAGGCCTCAGGTCATATCCTTTCTTCTTTTCCTCTT[C>T]CCAGCCAGCTTTGTACAGTTTCTAAACAATAAAATAGAAAAACAACAGCATCTTGTTATT-3'
Protein context (NP_001157980.2, residues 1779-1799): MSDKLYKAGW[Glu1789Lys]EEKKKGYDLR

ClinVar aggregate classification (germline): Uncertain significance (1 of 4 stars; one submission).

Conditions:
Nemaline myopathy 2 (NEM2). Also called: Nemaline myopathy 2, autosomal recessive. Identifiers: MedGen C1850569, MONDO:0009725, OMIM 256030.

Allele frequency attached by ClinVar (database versions not stated): gnomAD exomes below 0.00001.
gnomAD v4.1: 5 of 1,606,620 alleles (0.00031%); highest among the groups gnomAD compares: Non-Finnish European, 0.00043%; no homozygotes.

Submission:

Labcorp Genetics (formerly Invitae), Labcorp
Classification: Uncertain significance for Nemaline myopathy 2. Last evaluated: 2025-10-02. Review status: criteria provided, single submitter. Criteria: Invitae Variant Classification Sherloc (09022015). Collection method: clinical testing. Allele origin: germline.
Comment: This sequence change replaces glutamic acid, which is acidic and polar, with lysine, which is basic and polar, at codon 1789 of the NEB protein (p.Glu1789Lys). This variant is not present in population databases (gnomAD no frequency). This variant has not been reported in the literature in individuals affected with NEB-related conditions. ClinVar contains an entry for this variant (Variation ID: 1443065). Experimental studies and prediction algorithms are not available or were not evaluated, and the functional significance of this variant is currently unknown. In summary, the available evidence is currently insufficient to determine the role of this variant in disease. Therefore, it has been classified as a Variant of Uncertain Significance.